The following is an entry in ClinVar:

NM_000199.5(SGSH):c.1320C>A (p.Asp440Glu)

Gene: SGSH (N-sulfoglucosamine sulfohydrolase; minus strand). Cytogenetic location: 17q25.3.
Variant type: single nucleotide variant.
Coding change: c.1320C>A on transcript NM_000199.5 (MANE Select); coding-DNA position 1320, C replaced by A.
Protein change: p.Asp440Glu; replaces aspartic acid 440 with glutamic acid.
Molecular consequence: missense variant. On other transcripts: 3 prime UTR variant (2), non-coding transcript variant (1).
Genome position (GRCh38, 1-based): chr17:80,210,641, G>T on the plus strand (C>A on the coding strand, the complement: SGSH is on the minus strand). VCF-style: chr17-80210641-G-T. GRCh37 (hg19) VCF-style: chr17-78184440-G-T.
Other names: c.*407C>A (NM_001352921.3); c.*370C>A (NM_001352922.2); short protein forms D440E.
Identifiers: ClinVar variation 1913706 (VCV001913706.2), dbSNP rs751683275, ClinGen allele CA8817614.

ClinVar aggregate classification (germline): Uncertain significance (1 of 4 stars; one submission).

Conditions:
Mucopolysaccharidosis, MPS-III-A (MPS3A). Also called: HEPARAN SULFATE SULFATASE DEFICIENCY; SANFILIPPO SYNDROME A; SULFAMIDASE DEFICIENCY; MPS III A; Mucopolysaccharidosis type IIIA (Sanfilippo A); Mucopolysaccharidosis, type IIIA. Identifiers: Orphanet 581, Orphanet 79269, MedGen C0086647, MONDO:0009655, OMIM 252900.

gnomAD v4.1: 8 of 1,614,000 alleles (0.0005%); highest among the groups gnomAD compares: Non-Finnish European, 0.00051%; no homozygotes.

Submission:

Labcorp Genetics (formerly Invitae), Labcorp
Classification: Uncertain significance for Mucopolysaccharidosis, MPS-III-A. Last evaluated: 2022-03-11. Review status: criteria provided, single submitter. Criteria: Invitae Variant Classification Sherloc (09022015). Collection method: clinical testing. Allele origin: germline.
Comment: This sequence change replaces aspartic acid, which is acidic and polar, with glutamic acid, which is acidic and polar, at codon 440 of the SGSH protein (p.Asp440Glu). This variant is present in population databases (rs751683275, gnomAD 0.004%). This variant has not been reported in the literature in individuals affected with SGSH-related conditions. Algorithms developed to predict the effect of missense changes on protein structure and function are either unavailable or do not agree on the potential impact of this missense change (SIFT: "Deleterious"; PolyPhen-2: "Probably Damaging"; Align-GVGD: "Class C0"). In summary, the available evidence is currently insufficient to determine the role of this variant in disease. Therefore, it has been classified as a Variant of Uncertain Significance.